The following is an entry in ClinVar:

ClinVar aggregate classification (germline): Uncertain significance (1 of 4 stars; one submission).

Conditions:
Inborn genetic diseases. Identifiers: MedGen C0950123, MeSH D030342.

Submission:

Ambry Genetics
Classification: Uncertain significance for Inborn genetic diseases. Last evaluated: 2022-01-28. Review status: criteria provided, single submitter. Criteria: Ambry Variant Classification Scheme 2023. Collection method: clinical testing. Allele origin: germline.
Comment: The c.3387+5A>G intronic alteration consists of a A to G substitution 5 nucleotides after exon 21 of the CTC1 gene. Based on insufficient or conflicting evidence, the clinical significance of this alteration remains unclear.

NM_025099.6(CTC1):c.3387+5A>G

Gene: CTC1 (CST telomere replication complex component 1; minus strand). Cytogenetic location: 17p13.1.
Variant type: single nucleotide variant.
Coding change: c.3387+5A>G on transcript NM_025099.6 (MANE Select); 5 bases into the intron after coding-DNA position 3387, A replaced by G.
Molecular consequence: intron variant.
Genome position (GRCh38, 1-based): chr17:8,228,722, T>C on the plus strand (A>G on the coding strand, the complement: CTC1 is on the minus strand). VCF-style: chr17-8228722-T-C. GRCh37 (hg19) VCF-style: chr17-8132040-T-C.
Identifiers: ClinVar variation 2267153 (VCV002267153.2), dbSNP rs2151498477, ClinGen allele CA2580094924.